The following is an entry in ClinVar:

NM_032603.5(LOXL3):c.1322G>A (p.Arg441His)

Gene: LOXL3 (lysyl oxidase like 3; minus strand). Cytogenetic location: 2p13.1.
Variant type: single nucleotide variant.
Coding change: c.1322G>A on transcript NM_032603.5 (MANE Select); coding-DNA position 1322, G replaced by A.
Protein change: p.Arg441His; replaces arginine 441 with histidine.
Molecular consequence: missense variant.
Genome position (GRCh38, 1-based): chr2:74,535,682, C>T on the plus strand (G>A on the coding strand, the complement: LOXL3 is on the minus strand). VCF-style: chr2-74535682-C-T. GRCh37 (hg19) VCF-style: chr2-74762809-C-T.
Other names: c.887G>A, p.Arg296His (NM_001289164.3); c.239G>A, p.Arg80His (NM_001289165.2); c.1322G>A (NM_032603.4); short protein forms R441H, R296H, R80H.
Identifiers: ClinVar variation 3291119 (VCV003291119.2).

ClinVar aggregate classification (germline): Uncertain significance. Review status: criteria provided, multiple submitters, no conflicts (2 of 4 stars). 2 submissions from 2 submitters: Uncertain significance (2). Last evaluated 2025-09-18.

Conditions:
LOXL3-related disorder. Also called: LOXL3-related condition.

Submissions (2):

PreventionGenetics, part of Exact Sciences
Classification: Uncertain significance for LOXL3-related condition. Last evaluated: 2025-09-18. Review status: criteria provided, single submitter. Criteria: ACMG Guidelines, 2015. Collection method: clinical testing. Allele origin: germline.
Comment: The LOXL3 c.1322G>A variant is predicted to result in the amino acid substitution p.Arg441His. To our knowledge, this variant has not been reported in the literature. This variant is reported in 0.0099% of alleles in individuals of South Asian descent in gnomAD. At this time, the clinical significance of this variant is uncertain due to the absence of conclusive functional and genetic evidence.

Ambry Genetics
Classification: Uncertain significance. Last evaluated: 2024-05-14. Review status: criteria provided, single submitter. Criteria: Ambry Variant Classification Scheme 2023. Collection method: clinical testing. Allele origin: germline.